The following is an entry in ClinVar:

NM_020975.6(RET):c.1759+111G>C

Gene: RET (ret proto-oncogene; plus strand). Cytogenetic location: 10q11.21.
Variant type: single nucleotide variant.
Coding change: c.1759+111G>C on transcript NM_020975.6 (MANE Select); 111 bases into the intron after coding-DNA position 1759, G replaced by C.
Molecular consequence: intron variant.
Genome position (GRCh38, 1-based): chr10:43,113,074, G>C. VCF-style: chr10-43113074-G-C. GRCh37 (hg19) VCF-style: chr10-43608522-G-C.
Other names: c.1759+111G>C (NM_020630.7, NM_001406743.1, NM_001406744.1 and 4 more transcripts); c.1363+111G>C (NM_001406772.1, NM_001406769.1); c.1321+111G>C (NM_001406773.1, NM_001406771.1); c.862+111G>C (NM_001406782.1, NM_001406780.1, NM_001406779.1 and 3 more transcripts); c.1630+111G>C (NM_001406764.1, NM_001406762.1, NM_001406761.1 and 1 more transcripts); c.1234+111G>C (NM_001406774.1); c.733+111G>C (NM_001406786.1, NM_001406783.1); c.1471+111G>C (NM_001406770.1, NM_001406766.1, NM_001406767.1); and 5 more.
Identifiers: ClinVar variation 677052 (VCV000677052.4), dbSNP rs3026757, ClinGen allele CA15633236.
Genomic context (GRCh38, chr10:43,113,074, plus strand): 5'-AACCTGGATCCCACAGGCACTTCAGCCAGAGTTGCCAGGGCTGTCAGTTCTATGCATCAA[G>C]CTGAGCCTCCTGTGCATTTCAGCATCACCCTAGCCATGGGGAGGGAGCAGGCAGGGTCAG-3'

ClinVar aggregate classification (germline): Benign. Review status: criteria provided, multiple submitters, no conflicts (2 of 4 stars). 2 submissions from 2 submitters: Benign (2). Last evaluated 2018-06-18.

Allele frequency attached by ClinVar (database versions not stated): 1000 Genomes Project 0.03694; 1000 Genomes Project 30x 0.03826; gnomAD 0.05761 and 0.05904; TOPMed 0.05986; gnomAD exomes 0.06925.

Submissions (2):

GeneDx
Classification: Benign. Last evaluated: 2018-06-18. Review status: criteria provided, single submitter. Criteria: GeneDx Variant Classification (06012015). Collection method: clinical testing. Allele origin: germline. Affected: yes.
Comment: This variant is considered likely benign or benign based on one or more of the following criteria: it is a conservative change, it occurs at a poorly conserved position in the protein, it is predicted to be benign by multiple in silico algorithms, and/or has population frequency not consistent with disease.

Breakthrough Genomics
Classification: Benign. Review status: criteria provided, single submitter. Criteria: ACMG Guidelines, 2015. Collection method: not provided. Allele origin: germline. Inheritance: Autosomal dominant inheritance. Affected: yes.